The following is an entry in ClinVar:

NM_007194.4(CHEK2):c.1492C>G (p.Leu498Val)

Gene: CHEK2 (checkpoint kinase 2; minus strand). Cytogenetic location: 22q12.1.
Variant type: single nucleotide variant.
Coding change: c.1492C>G on transcript NM_007194.4 (MANE Select); coding-DNA position 1492, C replaced by G.
Protein change: p.Leu498Val; replaces leucine 498 with valine.
Molecular consequence: missense variant.
Genome position (GRCh38, 1-based): chr22:28,689,185, G>C on the plus strand (C>G on the coding strand, the complement: CHEK2 is on the minus strand). VCF-style: chr22-28689185-G-C. GRCh37 (hg19) VCF-style: chr22-29085173-G-C.
Other names: c.1621C>G, p.Leu541Val (NM_001005735.3); c.829C>G, p.Leu277Val (NM_001257387.3); c.1291C>G, p.Leu431Val (NM_001349956.3); c.1405C>G, p.Leu469Val (NM_145862.3); c.1492C>G (NM_007194.3); short protein forms L431V, L541V, L469V, L498V, L277V.
Identifiers: ClinVar variation 2017750 (VCV002017750.5), dbSNP rs2052245756, ClinGen allele CA411092477.

ClinVar aggregate classification (germline): Uncertain significance. Review status: criteria provided, multiple submitters, no conflicts (2 of 4 stars). 2 submissions from 2 submitters: Uncertain significance (2). Last evaluated 2025-06-02.

Conditions:
Familial cancer of breast. Also called: Hereditary breast cancer; BREAST CANCER, FAMILIAL; hereditary breast carcinoma. Identifiers: Orphanet 227535, MedGen C0346153, MONDO:0016419, OMIM 114480. Disease mechanism: loss of function.

Submissions (2):

GeneDx
Classification: Uncertain significance. Last evaluated: 2025-06-02. Review status: criteria provided, single submitter. Criteria: GeneDx Variant Classification Process June 2021. Collection method: clinical testing. Allele origin: germline. Affected: yes.
Comment: Not observed at significant frequency in large population cohorts (gnomAD); In silico analysis suggests that this missense variant does not alter protein structure/function; Has not been previously published as pathogenic or benign to our knowledge; This variant is associated with the following publications: (PMID: 22419737, 19782031)

Labcorp Genetics (formerly Invitae), Labcorp
Classification: Uncertain significance for Familial cancer of breast. Last evaluated: 2022-07-20. Review status: criteria provided, single submitter. Criteria: Invitae Variant Classification Sherloc (09022015). Collection method: clinical testing. Allele origin: germline.
Comment: In summary, the available evidence is currently insufficient to determine the role of this variant in disease. Therefore, it has been classified as a Variant of Uncertain Significance. Algorithms developed to predict the effect of missense changes on protein structure and function are either unavailable or do not agree on the potential impact of this missense change (SIFT: "Deleterious"; PolyPhen-2: "Possibly Damaging"; Align-GVGD: "Class C0"). This variant has not been reported in the literature in individuals affected with CHEK2-related conditions. This variant is not present in population databases (gnomAD no frequency). This sequence change replaces leucine, which is neutral and non-polar, with valine, which is neutral and non-polar, at codon 498 of the CHEK2 protein (p.Leu498Val).